The following is an entry in ClinVar:

ClinVar aggregate classification (germline): Uncertain significance (1 of 4 stars; one submission).

Conditions:
Susceptibility to HIV infection. Also called: HUMAN IMMUNODEFICIENCY VIRUS TYPE 1, RESISTANCE TO; Human immunodeficiency virus type 1, susceptibility to; HIV-1, SUSCEPTIBILITY TO. Identifiers: MedGen C1836230, MONDO:0004951, OMIM 609423.

Allele frequency attached by ClinVar (database versions not stated): gnomAD 0.00012 and 0.00013; gnomAD exomes 0.00017 and 0.00022; TOPMed 0.00018; ExAC 0.00025.

Submission:

Center for Genomics, Ann and Robert H. Lurie Children's Hospital of Chicago
Classification: Uncertain significance for Susceptibility to HIV infection. Last evaluated: 2021-03-30. Review status: criteria provided, single submitter. Criteria: ACMG Guidelines, 2015. Collection method: clinical testing. Allele origin: germline.
Comment: CCR2 NM_001123396.2 exon 2 p.Thr348Met (c.1043C>T): This variant has been reported in the literature in at least 1 individual with very early onset inflammatory bowel disease (VEO-IBD) (Kelsen 2015 PMID:26193622). This variant is present in 0.02% (34/115940) of European alleles in the Genome Aggregation Database. Evolutionary conservation and computational predictive tools for this variant are unclear. In summary, data on this variant is insufficient for disease classification. Therefore, the clinical significance of this variant is uncertain.

NM_001123396.4(CCR2):c.1043C>T (p.Thr348Met)

Gene: CCR2 (C-C motif chemokine receptor 2; plus strand). Cytogenetic location: 3p21.31.
Variant type: single nucleotide variant.
Coding change: c.1043C>T on transcript NM_001123396.4 (MANE Select); coding-DNA position 1043, C replaced by T.
Protein change: p.Thr348Met; replaces threonine 348 with methionine.
Molecular consequence: missense variant. On other transcripts: intron variant (1).
Genome position (GRCh38, 1-based): chr3:46,358,570, C>T. VCF-style: chr3-46358570-C-T. GRCh37 (hg19) VCF-style: chr3-46400061-C-T.
Other names: c.941+102C>T (NM_001123041.3); short protein forms T348M.
Identifiers: ClinVar variation 625907 (VCV000625907.3), dbSNP rs779248623, ClinGen allele CA2354453.
Genomic context (GRCh38, chr3:46,358,570, plus strand): 5'-TCTGCAAACAATGTCCAGTTTTCTACAGGGAGACAGTGGATGGAGTGACTTCAACAAACA[C>T]GCCTTCCACTGGGGAGCAGGAAGTCTCGGCTGGTTTATAAAACGAGGAGCAGTTTGATTG-3'
Protein context (NP_001116868.1, residues 338-358): ETVDGVTSTN[Thr348Met]PSTGEQEVSA